The following is an entry in ClinVar:

ClinVar aggregate classification (germline): Uncertain significance. Review status: criteria provided, multiple submitters, no conflicts (2 of 4 stars). 3 submissions from 3 submitters: Uncertain significance (3). Last evaluated 2026-04-15.

Conditions:
Primary dilated cardiomyopathy (DCM). Also called: Dilated Cardiomyopathy. Identifiers: Orphanet 217604, MedGen C0007193, MeSH D002311, MONDO:0005021, HP:0001644. Inheritance: Various modes of inheritance.
NEBL-related disorder. Also called: NEBL-related condition.

Allele frequency attached by ClinVar (database versions not stated): ExAC 0.00001.
gnomAD v4.1: 7 of 1,595,248 alleles (0.00044%); highest among the groups gnomAD compares: Admixed American, 0.005%; no homozygotes.

Submissions (3):

PreventionGenetics, part of Exact Sciences
Classification: Uncertain significance for NEBL-related condition. Last evaluated: 2026-04-15. Review status: criteria provided, single submitter. Criteria: ACMG Guidelines, 2015. Collection method: clinical testing. Allele origin: germline.
Comment: The NEBL c.1250A>G variant is predicted to result in the amino acid substitution p.Glu417Gly. To our knowledge, this variant has not been reported in the literature. This variant is reported in 0.00089% of alleles in individuals of European (Non-Finnish) descent in gnomAD. At this time, the clinical significance of this variant is uncertain due to the absence of conclusive functional and genetic evidence.

Labcorp Genetics (formerly Invitae), Labcorp
Classification: Uncertain significance for Primary dilated cardiomyopathy. Last evaluated: 2025-05-14. Review status: criteria provided, single submitter. Criteria: Invitae Variant Classification Sherloc (09022015). Collection method: clinical testing. Allele origin: germline.
Comment: This sequence change replaces glutamic acid, which is acidic and polar, with glycine, which is neutral and non-polar, at codon 417 of the NEBL protein (p.Glu417Gly). This variant is present in population databases (rs750380902, gnomAD 0.0009%). This variant has not been reported in the literature in individuals affected with NEBL-related conditions. ClinVar contains an entry for this variant (Variation ID: 2448878). An algorithm developed to predict the effect of missense changes on protein structure and function (PolyPhen-2) suggests that this variant is likely to be disruptive. In summary, the available evidence is currently insufficient to determine the role of this variant in disease. Therefore, it has been classified as a Variant of Uncertain Significance.

Ambry Genetics
Classification: Uncertain significance. Last evaluated: 2022-12-01. Review status: criteria provided, single submitter. Criteria: Ambry Variant Classification Scheme 2023. Collection method: clinical testing. Allele origin: germline.
Comment: The p.E417G variant (also known as c.1250A>G), located in coding exon 13 of the NEBL gene, results from an A to G substitution at nucleotide position 1250. The glutamic acid at codon 417 is replaced by glycine, an amino acid with similar properties. This amino acid position is conserved. In addition, this alteration is predicted to be tolerated by in silico analysis. Since supporting evidence is limited at this time, the clinical significance of this alteration remains unclear.

NM_006393.3(NEBL):c.1250A>G (p.Glu417Gly)

Gene: NEBL (nebulette; minus strand). Cytogenetic location: 10p12.31.
Variant type: single nucleotide variant.
Coding change: c.1250A>G on transcript NM_006393.3 (MANE Select); coding-DNA position 1250, A replaced by G.
Protein change: p.Glu417Gly; replaces glutamic acid 417 with glycine.
Molecular consequence: missense variant. On other transcripts: intron variant (9).
Genome position (GRCh38, 1-based): chr10:20,840,827, T>C on the plus strand (A>G on the coding strand, the complement: NEBL is on the minus strand). VCF-style: chr10-20840827-T-C. GRCh37 (hg19) VCF-style: chr10-21129756-T-C.
Other names: c.250-27887A>G (NM_001377326.1, NM_001377327.1, NM_001377328.1); c.358-27887A>G (NM_213569.2, NM_001173484.2, NM_001377322.1); c.301-27887A>G (NM_001377324.1); c.292-27887A>G (NM_001377325.1); c.310-27887A>G (NM_001377323.1); short protein forms E417G.
Identifiers: ClinVar variation 2448878 (VCV002448878.4), dbSNP rs750380902, ClinGen allele CA5432931.